The following is an entry in ClinVar:

ClinVar aggregate classification (germline): Uncertain significance (1 of 4 stars; one submission).

Submission:

Quest Diagnostics Nichols Institute San Juan Capistrano
Classification: Uncertain significance. Last evaluated: 2025-10-09. Review status: criteria provided, single submitter. Criteria: Quest Diagnostics criteria. Collection method: clinical testing. Allele origin: unknown.
Comment: The BRCA2 c.6558A>T (p.Ser2186=) synonymous variant has not been reported in individuals with BRCA2-related conditions in the published literature. This variant also has not been reported in large, multi-ethnic general populations (Genome Aggregation Database). Analysis of this variant using software algorithms for the prediction of the effect of nucleotide changes on splicing yielded predictions that this variant does not affect BRCA2 mRNA splicing. Based on the available information, we are unable to determine the clinical significance of this variant.

NM_000059.4(BRCA2):c.6558A>T (p.Ser2186=)

Gene: BRCA2 (BRCA2 DNA repair associated; plus strand). Cytogenetic location: 13q13.1.
Variant type: single nucleotide variant.
Coding change: c.6558A>T on transcript NM_000059.4 (MANE Select); coding-DNA position 6558, A replaced by T.
Protein change: p.Ser2186=; no amino-acid change (serine 2186 retained).
Molecular consequence: synonymous variant. On other transcripts: non-coding transcript variant (1), intron variant (2).
Genome position (GRCh38, 1-based): chr13:32,340,913, A>T. VCF-style: chr13-32340913-A-T. GRCh37 (hg19) VCF-style: chr13-32915050-A-T.
Other names: c.6558A>T, p.Ser2186= (NM_001406719.1, NM_001406720.1, NM_001432077.1); c.1910-3645A>T (NM_001406721.1); c.425-3645A>T (NM_001406722.1).
Identifiers: ClinVar variation 4532831 (VCV004532831.1).